The following is an entry in ClinVar:

NM_000843.4(GRM6):c.674A>G (p.Tyr225Cys)

Gene: GRM6 (glutamate metabotropic receptor 6; minus strand). Cytogenetic location: 5q35.3.
Variant type: single nucleotide variant.
Coding change: c.674A>G on transcript NM_000843.4 (MANE Select); coding-DNA position 674, A replaced by G.
Protein change: p.Tyr225Cys; replaces tyrosine 225 with cysteine.
Molecular consequence: missense variant.
Genome position (GRCh38, 1-based): chr5:178,991,914, T>C on the plus strand (A>G on the coding strand, the complement: GRM6 is on the minus strand). VCF-style: chr5-178991914-T-C. GRCh37 (hg19) VCF-style: chr5-178418915-T-C.
Other names: short protein forms Y225C.
Identifiers: ClinVar variation 2103417 (VCV002103417.4), dbSNP rs2480400236, ClinGen allele CA362433931.

ClinVar aggregate classification (germline): Uncertain significance (1 of 4 stars; one submission).

Allele frequency attached by ClinVar (database versions not stated): gnomAD exomes 0.00001.
gnomAD v4.1: 15 of 1,614,036 alleles (0.00093%); highest among the groups gnomAD compares: Non-Finnish European, 0.0013%; no homozygotes.

Submission:

Labcorp Genetics (formerly Invitae), Labcorp
Classification: Uncertain significance. Last evaluated: 2022-04-16. Review status: criteria provided, single submitter. Criteria: Invitae Variant Classification Sherloc (09022015). Collection method: clinical testing. Allele origin: germline.
Comment: This sequence change replaces tyrosine, which is neutral and polar, with cysteine, which is neutral and slightly polar, at codon 225 of the GRM6 protein (p.Tyr225Cys). This variant is not present in population databases (gnomAD no frequency). This variant has not been reported in the literature in individuals affected with GRM6-related conditions. Advanced modeling of protein sequence and biophysical properties (such as structural, functional, and spatial information, amino acid conservation, physicochemical variation, residue mobility, and thermodynamic stability) performed at Invitae indicates that this missense variant is expected to disrupt GRM6 protein function. In summary, the available evidence is currently insufficient to determine the role of this variant in disease. Therefore, it has been classified as a Variant of Uncertain Significance.